The following is an entry in ClinVar:

ClinVar aggregate classification (germline): Uncertain significance (1 of 4 stars; one submission).

gnomAD v4.1: 6 of 1,613,332 alleles (0.00037%); highest among the groups gnomAD compares: East Asian, 0.0022%; no homozygotes.

Submission:

Ambry Genetics
Classification: Uncertain significance. Last evaluated: 2026-04-11. Review status: criteria provided, single submitter. Criteria: Ambry Variant Classification Scheme 2023. Collection method: clinical testing. Allele origin: germline.
Comment: The p.L243H variant (also known as c.728T>A), located in coding exon 1 of the MC1R gene, results from a T to A substitution at nucleotide position 728. The leucine at codon 243 is replaced by histidine, an amino acid with similar properties. This amino acid position is conserved. In addition, this alteration is predicted to be deleterious by in silico analysis. Based on the available evidence, the clinical significance of this variant remains unclear.

NM_002386.4(MC1R):c.728T>A (p.Leu243His)

Gene: MC1R (melanocortin 1 receptor; plus strand). Cytogenetic location: 16q24.3.
Variant type: single nucleotide variant.
Coding change: c.728T>A on transcript NM_002386.4 (MANE Select); coding-DNA position 728, T replaced by A.
Protein change: p.Leu243His; replaces leucine 243 with histidine.
Molecular consequence: missense variant.
Genome position (GRCh38, 1-based): chr16:89,919,986, T>A. VCF-style: chr16-89919986-T-A. GRCh37 (hg19) VCF-style: chr16-89986394-T-A.
Other names: short protein forms L243H.
Identifiers: ClinVar variation 4859652 (VCV004859652.1).